The following is an entry in ClinVar:

NM_178857.6(RP1L1):c.3982G>A (p.Glu1328Lys)

Gene: RP1L1 (RP1 like 1). Cytogenetic location: 8p23.1.
Variant type: single nucleotide variant.
Coding change: c.3982G>A on transcript NM_178857.6 (MANE Select); coding-DNA position 3982, G replaced by A.
Protein change: p.Glu1328Lys; replaces glutamic acid 1328 with lysine.
Molecular consequence: missense variant.
Genome position (GRCh38, 1-based): chr8:10,610,116, C>T on the plus strand (G>A on the coding strand, the complement: RP1L1 is on the minus strand). VCF-style: chr8-10610116-C-T. GRCh37 (hg19) VCF-style: chr8-10467626-C-T.
Other names: short protein forms E1328K.
Identifiers: ClinVar variation 911394 (VCV000911394.8), dbSNP rs141046710, ClinGen allele CA4624254.

ClinVar aggregate classification (germline): Benign. Review status: criteria provided, multiple submitters, no conflicts (2 of 4 stars). 5 submissions from 5 submitters: Benign (3). 2 of the submissions do not count toward it. Last evaluated 2018-08-16.

Conditions:
Occult macular dystrophy (OCMD). Also called: OMD; OCCULT MACULAR DYSTROPHY, SUSCEPTIBILITY TO. Identifiers: Orphanet 247834, MedGen C3150833, MONDO:0013316, OMIM 613587, HP:0030636.

Allele frequency attached by ClinVar (database versions not stated): gnomAD 0.06910 and 0.06937; gnomAD exomes 0.07886; ExAC 0.14706.
gnomAD v4.1: 50,793 of 998,518 alleles (5.1%); highest among the groups gnomAD compares: South Asian, 6.7%; 3,059 homozygotes.

Submissions (5):

GeneDx
Classification: Benign. Last evaluated: 2018-08-16. Review status: criteria provided, single submitter. Criteria: GeneDx Variant Classification Process June 2021. Collection method: clinical testing. Allele origin: germline. Affected: yes.

Illumina Laboratory Services, Illumina
Classification: Benign for Occult macular dystrophy. Last evaluated: 2018-01-13. Review status: criteria provided, single submitter. Criteria: ICSL Variant Classification Criteria 13 December 2019. Collection method: clinical testing. Allele origin: germline.
Comment: This variant was observed in the ICSL laboratory as part of a predisposition screen in an ostensibly healthy population. It had not been previously curated by ICSL or reported in the Human Gene Mutation Database (HGMD: prior to June 1st, 2018), and was therefore a candidate for classification through an automated scoring system. Utilizing variant allele frequency, disease prevalence and penetrance estimates, and inheritance mode, an automated score was calculated to assess if this variant is too frequent to cause the disease. Based on the score and internal cut-off values, a variant classified as benign is not then subjected to further curation. The score for this variant resulted in a classification of benign for this disease.

Breakthrough Genomics
Classification: Benign. Review status: criteria provided, single submitter. Criteria: ACMG Guidelines, 2015. Collection method: not provided. Allele origin: germline. Inheritance: Autosomal recessive inheritance. Affected: yes.

Clinical Genetics DNA and cytogenetics Diagnostics Lab, Erasmus MC, Erasmus Medical Center
Classification: Likely benign. Review status: no assertion criteria provided. Collection method: clinical testing. Allele origin: germline. Affected: yes. Study: VKGL Data-share Consensus. Not counted in ClinVar's aggregate classification.

Clinical Genetics, Academic Medical Center
Classification: Benign. Review status: no assertion criteria provided. Collection method: clinical testing. Allele origin: germline. Affected: yes. Study: VKGL Data-share Consensus. Not counted in ClinVar's aggregate classification.